The following is an entry in ClinVar:

ClinVar aggregate classification (germline): Pathogenic (1 of 4 stars; one submission).

Submission:

Labcorp Genetics (formerly Invitae), Labcorp
Classification: Pathogenic. Last evaluated: 2023-09-03. Review status: criteria provided, single submitter. Criteria: Invitae Variant Classification Sherloc (09022015). Collection method: clinical testing. Allele origin: germline.
Comment: ClinVar contains an entry for this variant (Variation ID: 1935017). For these reasons, this variant has been classified as Pathogenic. This sequence change creates a premature translational stop signal (p.Ser117*) in the ERCC8 gene. It is expected to result in an absent or disrupted protein product. Loss-of-function variants in ERCC8 are known to be pathogenic (PMID: 29572252). This variant is not present in population databases (gnomAD no frequency). This variant has not been reported in the literature in individuals affected with ERCC8-related conditions.

Literature cited by the submitters: PubMed 29572252.

NM_000082.4(ERCC8):c.350C>G (p.Ser117Ter)

Genes: ERCC8 (ERCC excision repair 8, CSA ubiquitin ligase complex subunit; minus strand), ERCC8-AS1 (ERCC8 antisense RNA 1; plus strand). Cytogenetic location: 5q12.1.
Variant type: single nucleotide variant.
Coding change: c.350C>G on transcript NM_000082.4 (MANE Select); coding-DNA position 350, C replaced by G.
Protein change: p.Ser117Ter; replaces serine 117 with a stop codon.
Molecular consequence: nonsense. On other transcripts: 5 prime UTR variant (1).
Genome position (GRCh38, 1-based): chr5:60,918,314, G>C on the plus strand (C>G on the coding strand, the complement: ERCC8 is on the minus strand). VCF-style: chr5-60918314-G-C. GRCh37 (hg19) VCF-style: chr5-60214141-G-C.
Other names: c.176C>G, p.Ser59Ter (NM_001007233.3); c.350C>G, p.Ser117Ter (NM_001007234.3); c.-28C>G (NM_001290285.2); short protein forms S117*, S59*.
Identifiers: ClinVar variation 1935017 (VCV001935017.5), dbSNP rs545036754, ClinGen allele CA359827926.